The following is an entry in ClinVar:

ClinVar aggregate classification (germline): Pathogenic (1 of 4 stars; one submission).

Conditions:
LPL-related disorder. Also called: LPL-related condition.

Submission:

PreventionGenetics, part of Exact Sciences
Classification: Pathogenic for LPL-related condition. Last evaluated: 2024-11-12. Review status: criteria provided, single submitter. Criteria: ACMG Guidelines, 2015. Collection method: clinical testing. Allele origin: germline.
Comment: The LPL c.247_249+1delACGG variant is predicted to result in a deletion affecting a canonical splice site. This variant is predicted to shift the consensus intron 2 splice donor site and create a frameshift. This variant has been reported in patients with autosomal recessive lipoprotein lipase (LPL) deficiency and severe hypertriglyceridemia (Rahalkar et al. 2009. PubMed ID: 19295657; Rodrigues et al. 2016. PubMed ID: 27055971) and is likely to be a primary cause of disease when present in the homozygous or compound heterozygous state. At PreventionGenetics, this variant has been observed in the homozygous state in affected individuals (Internal Data). This variant has not been reported in a large population database (gnomAD), indicating this variant is rare. Based on the available evidence, this variant is interpreted as pathogenic for autosomal recessive LPL-related disorders.

NM_000237.3(LPL):c.247_249+1del

Gene: LPL (lipoprotein lipase; plus strand). Cytogenetic location: 8p21.3.
Variant type: Deletion.
Coding change: c.247_249+1del on transcript NM_000237.3 (MANE Select); coding-DNA position 247 through the canonical splice donor site of the intron after coding-DNA position 249, 4 bases deleted (ACGG; older notation c.247_249+1delACGG).
Molecular consequence: splice donor variant.
Genome position (GRCh38, 1-based): chr8:19,948,338-19,948,341, ACGG deleted; deleting any 4 consecutive bases within chr8:19,948,336-19,948,341 gives the same sequence; the c. name uses the placement nearest the transcript's 3' end. VCF-style (leftmost placement, unchanged base first): chr8-19948335-TGGAC-T. GRCh37 (hg19) VCF-style: chr8-19805846-TGGAC-T.
Identifiers: ClinVar variation 4982079 (VCV004982079.1).